The following is an entry in ClinVar:

ClinVar aggregate classification (germline): Uncertain significance (1 of 4 stars; one submission).

Allele frequency attached by ClinVar (database versions not stated): gnomAD exomes below 0.00001; TOPMed 0.00002; ExAC 0.00003; gnomAD 0.00003.
gnomAD v4.1: 6 of 1,608,652 alleles (0.00037%); highest among the groups gnomAD compares: African/African-American, 0.004%; no homozygotes.

Submission:

GeneDx
Classification: Uncertain significance. Last evaluated: 2022-02-18. Review status: criteria provided, single submitter. Criteria: GeneDx Variant Classification Process June 2021. Collection method: clinical testing. Allele origin: germline. Affected: yes.
Comment: In silico analysis supports that this missense variant has a deleterious effect on protein structure/function; Has not been previously published as pathogenic or benign to our knowledge

NM_001378328.1(CELSR1):c.6872C>T (p.Pro2291Leu)

Gene: CELSR1 (cadherin EGF LAG seven-pass G-type receptor 1; minus strand). Cytogenetic location: 22q13.31.
Variant type: single nucleotide variant.
Coding change: c.6872C>T on transcript NM_001378328.1 (MANE Select); coding-DNA position 6872, C replaced by T.
Protein change: p.Pro2291Leu; replaces proline 2291 with leucine.
Molecular consequence: missense variant.
Genome position (GRCh38, 1-based): chr22:46,384,554, G>A on the plus strand (C>T on the coding strand, the complement: CELSR1 is on the minus strand). VCF-style: chr22-46384554-G-A. GRCh37 (hg19) VCF-style: chr22-46780451-G-A.
Other names: c.6872C>T, p.Pro2291Leu (NM_014246.4); short protein forms P2291L.
Identifiers: ClinVar variation 1702555 (VCV001702555.2), dbSNP rs754538406, ClinGen allele CA10293604.
Genomic context (GRCh38, chr22:46,384,554, plus strand): 5'-TGAACGCTGGGGACTCCGAGGGCAGCAGCAGGTTTCTAAGCGGTTTTACCTTTTTCTTCA[G>A]GTGGTCTGAAGAAGTCGGCTGGGAAGGAGACGGAGGACTCCAGCTCCCTGGGGAACTCTT-3'
Protein context (NP_001365257.1, residues 2281-2301): VSFPADFFRP[Pro2291Leu]EEKEGPLLRP